The following is an entry in ClinVar:

ClinVar aggregate classification (germline): Uncertain significance. Review status: criteria provided, multiple submitters, no conflicts (2 of 4 stars). 2 submissions from 2 submitters: Uncertain significance (2). Last evaluated 2026-07-02.

Conditions:
Hereditary cancer-predisposing syndrome. Also called: Tumor predisposition; Hereditary Cancer Syndrome; Hereditary neoplastic syndrome; Neoplastic Syndromes, Hereditary. Identifiers: Orphanet 140162, MedGen C0027672, MeSH D009386, MONDO:0015356.
Oligodontia-cancer predisposition syndrome. Also called: TOOTH AGENESIS-COLORECTAL CANCER SYNDROME. Identifiers: Orphanet 300576, MedGen C1837750, MONDO:0012075, OMIM 608615. Disease mechanism: loss of function.

Allele frequency attached by ClinVar (database versions not stated): ExAC 0.00001; gnomAD exomes below 0.00001.

Submissions (2):

Ambry Genetics
Classification: Uncertain significance for Hereditary cancer-predisposing syndrome. Last evaluated: 2026-07-02. Review status: criteria provided, single submitter. Criteria: Ambry Variant Classification Scheme 2023. Collection method: clinical testing. Allele origin: germline.
Comment: The p.K560T variant (also known as c.1679A>C), located in coding exon 5 of the AXIN2 gene, results from an A to C substitution at nucleotide position 1679. The lysine at codon 560 is replaced by threonine, an amino acid with similar properties. This amino acid position is conserved. In addition, this alteration is predicted to be tolerated by in silico analysis. Based on the available evidence, the clinical significance of this variant remains unclear.

Labcorp Genetics (formerly Invitae), Labcorp
Classification: Uncertain significance for Oligodontia-cancer predisposition syndrome. Last evaluated: 2020-07-21. Review status: criteria provided, single submitter. Criteria: Invitae Variant Classification Sherloc (09022015). Collection method: clinical testing. Allele origin: germline.
Comment: In summary, the available evidence is currently insufficient to determine the role of this variant in disease. Therefore, it has been classified as a Variant of Uncertain Significance. Algorithms developed to predict the effect of missense changes on protein structure and function (SIFT, PolyPhen-2, Align-GVGD) all suggest that this variant is likely to be tolerated, but these predictions have not been confirmed by published functional studies and their clinical significance is uncertain. This variant has not been reported in the literature in individuals with AXIN2-related conditions. This variant is present in population databases (rs769741903, ExAC 0.001%). This sequence change replaces lysine with threonine at codon 560 of the AXIN2 protein (p.Lys560Thr). The lysine residue is moderately conserved and there is a moderate physicochemical difference between lysine and threonine.

NM_004655.4(AXIN2):c.1679A>C (p.Lys560Thr)

Gene: AXIN2 (axin 2; minus strand). Cytogenetic location: 17q24.1.
Variant type: single nucleotide variant.
Coding change: c.1679A>C on transcript NM_004655.4 (MANE Select); coding-DNA position 1679, A replaced by C.
Protein change: p.Lys560Thr; replaces lysine 560 with threonine.
Molecular consequence: missense variant.
Genome position (GRCh38, 1-based): chr17:65,537,357, T>G on the plus strand (A>C on the coding strand, the complement: AXIN2 is on the minus strand). VCF-style: chr17-65537357-T-G. GRCh37 (hg19) VCF-style: chr17-63533475-T-G.
Other names: c.1679A>C (NM_004655.3); c.1679A>C, p.Lys560Thr (NM_001363813.1); short protein forms K560T.
Identifiers: ClinVar variation 1023809 (VCV001023809.9), dbSNP rs769741903, ClinGen allele CA8718578.